The following is an entry in ClinVar:

NM_004336.5(BUB1):c.2558A>G (p.Tyr853Cys)

Gene: BUB1 (BUB1 mitotic checkpoint serine/threonine kinase; minus strand). Cytogenetic location: 2q13.
Variant type: single nucleotide variant.
Coding change: c.2558A>G on transcript NM_004336.5 (MANE Select); coding-DNA position 2558, A replaced by G.
Protein change: p.Tyr853Cys; replaces tyrosine 853 with cysteine.
Molecular consequence: missense variant.
Genome position (GRCh38, 1-based): chr2:110,641,709, T>C on the plus strand (A>G on the coding strand, the complement: BUB1 is on the minus strand). VCF-style: chr2-110641709-T-C. GRCh37 (hg19) VCF-style: chr2-111399286-T-C.
Other names: c.2498A>G, p.Tyr833Cys (NM_001278616.2); c.2558A>G, p.Tyr853Cys (NM_001278617.2); short protein forms Y833C, Y853C.
Identifiers: ClinVar variation 3639390 (VCV003639390.2).

ClinVar aggregate classification (germline): Uncertain significance (1 of 4 stars; one submission).

gnomAD v4.1: 18 of 1,613,030 alleles (0.0011%); highest among the groups gnomAD compares: Admixed American, 0.01%; no homozygotes.

Submission:

Labcorp Genetics (formerly Invitae), Labcorp
Classification: Uncertain significance. Last evaluated: 2024-10-21. Review status: criteria provided, single submitter. Criteria: Invitae Variant Classification Sherloc (09022015). Collection method: clinical testing. Allele origin: germline.
Comment: This sequence change replaces tyrosine, which is neutral and polar, with cysteine, which is neutral and slightly polar, at codon 853 of the BUB1 protein (p.Tyr853Cys). This variant is present in population databases (no rsID available, gnomAD 0.01%). This missense change has been observed in individual(s) with pancreatic Cancer (PMID: 35171259). Experimental studies and prediction algorithms are not available or were not evaluated, and the functional significance of this variant is currently unknown. In summary, the available evidence is currently insufficient to determine the role of this variant in disease. Therefore, it has been classified as a Variant of Uncertain Significance.

Literature cited by the submitters: PubMed 35171259.